The following is an entry in ClinVar:

ClinVar aggregate classification (germline): Uncertain significance (1 of 4 stars; one submission).

Conditions:
Retinitis pigmentosa 25 (RP25). Identifiers: Orphanet 791, MedGen C1864446, MONDO:0011272, OMIM 602772.

Submission:

3billion
Classification: Uncertain significance for Retinitis pigmentosa 25. Last evaluated: 2024-02-16. Review status: criteria provided, single submitter. Criteria: ACMG Guidelines, 2015. Collection method: clinical testing. Allele origin: germline. Affected: yes.
Comment: The variant is not observed in the gnomAD v2.1.1 dataset. Predicted Consequence/Location: The majority of the known disease-causing variants of this gene are variants expected to result in premature termination of the protein. Damaging effect on gene or gene product predicted by in silico programs is uncertain [REVEL: 0.25 (damaging >=0.6, benign <0.4), 3Cnet: 0.26 (damaging >=0.6, benign <0.15)]. Therefore, this variant is classified as VUS according to the recommendation of ACMG/AMP guideline.

NM_001142800.2(EYS):c.9151C>G (p.Gln3051Glu)

Genes: EYS (eyes shut homolog; minus strand), PHF3 (PHD finger protein 3; plus strand). Cytogenetic location: 6q12.
Variant type: single nucleotide variant.
Coding change: c.9151C>G on transcript NM_001142800.2 (MANE Select); coding-DNA position 9151, C replaced by G.
Protein change: p.Gln3051Glu; replaces glutamine 3051 with glutamic acid.
Molecular consequence: missense variant. On other transcripts: 3 prime UTR variant (5).
Genome position (GRCh38, 1-based): chr6:63,720,880, G>C on the plus strand (C>G on the coding strand, the complement: EYS is on the minus strand). VCF-style: chr6-63720880-G-C. GRCh37 (hg19) VCF-style: chr6-64430776-G-C.
Other names: c.*7172G>C (NM_001290259.2, NM_001370348.2, NM_001370349.2 and 2 more transcripts); c.9214C>G, p.Gln3072Glu (NM_001292009.2); short protein forms Q3051E, Q3072E.
Identifiers: ClinVar variation 3775334 (VCV003775334.1).
Genomic context (GRCh38, chr6:63,720,880, plus strand): 5'-CAATATCCTCGGAAAGAATTAGACTGTTATTTATGTAGGCCTTGATAAGAGTCTGATTTT[G>C]AATTACAACTACATGGTGCCATTTATTACAACAGAATGTGCCATTGTTATAGCTCATAGG-3'
Protein context (NP_001136272.1, residues 3041-3061): CNKWHHVVVI[Gln3051Glu]NQTLIKAYIN